The following is an entry in ClinVar:

ClinVar aggregate classification (germline): Likely benign. Review status: criteria provided, single submitter (1 of 4 stars). 2 submissions from 2 submitters: Likely benign (1). 1 of the submissions does not count toward it. Last evaluated 2023-12-02.

Conditions:
Lowe syndrome (OCRL). Also called: LOWE OCULOCEREBRORENAL SYNDROME; PHOSPHATIDYLINOSITOL 4,5-BISPHOSPHATE 5-PHOSPHATASE DEFICIENCY; Oculocerebrorenal Syndrome. Identifiers: Orphanet 534, MedGen C0028860, MONDO:0010645, OMIM 309000.
OCRL-related disorder. Also called: OCRL-related condition.

Allele frequency attached by ClinVar (database versions not stated): gnomAD exomes below 0.00001; TOPMed below 0.00001; gnomAD 0.00001.
gnomAD v4.1: 4 of 1,210,398 alleles (0.00033%); highest among the groups gnomAD compares: South Asian, 0.0035%; no homozygotes.

Submissions (2):

Labcorp Genetics (formerly Invitae), Labcorp
Classification: Likely benign for Lowe syndrome. Last evaluated: 2023-12-02. Review status: criteria provided, single submitter. Criteria: Invitae Variant Classification Sherloc (09022015). Collection method: clinical testing. Allele origin: germline.

PreventionGenetics, part of Exact Sciences
Classification: Likely benign for OCRL-related condition. Last evaluated: 2021-05-21. Review status: no assertion criteria provided. Collection method: clinical testing. Allele origin: germline. Not counted in ClinVar's aggregate classification.
Comment: This variant is classified as likely benign based on ACMG/AMP sequence variant interpretation guidelines (Richards et al. 2015 PMID: 25741868, with internal and published modifications).

NM_000276.4(OCRL):c.516G>T (p.Gly172=)

Gene: OCRL (OCRL inositol polyphosphate-5-phosphatase; plus strand). Cytogenetic location: Xq26.1.
Variant type: single nucleotide variant.
Coding change: c.516G>T on transcript NM_000276.4 (MANE Select); coding-DNA position 516, G replaced by T.
Protein change: p.Gly172=; no amino-acid change (glycine 172 retained).
Molecular consequence: synonymous variant.
Genome position (GRCh38, 1-based): chrX:129,558,709, G>T. VCF-style: chrX-129558709-G-T. GRCh37 (hg19) VCF-style: chrX-128692686-G-T.
Other names: c.516G>T (NM_000276.3); c.519G>T, p.Gly173= (NM_001318784.2); c.516G>T, p.Gly172= (NM_001587.4).
Identifiers: ClinVar variation 3013730 (VCV003013730.5), dbSNP rs1244855577, ClinGen allele CA518831446.